The following is an entry in ClinVar:

NM_003322.6(TULP1):c.525dup (p.Pro176fs)

Gene: TULP1 (TUB like protein 1; minus strand). Cytogenetic location: 6p21.31.
Variant type: Duplication.
Coding change: c.525dup on transcript NM_003322.6 (MANE Select); coding-DNA position 525, one base duplicated (A; older notation c.525dupA).
Protein change: p.Pro176fs; shifts the reading frame from proline 176.
Molecular consequence: frameshift variant.
Genome position (GRCh38, 1-based): chr6:35,509,903, T duplicated on the plus strand (A on the coding strand, the reverse complement: TULP1 is on the minus strand). VCF-style (leftmost placement, unchanged base first): chr6-35509902-G-GT. GRCh37 (hg19) VCF-style: chr6-35477679-G-GT.
Other names: c.366dup, p.Pro123fs (NM_001289395.2); short protein forms P176fs, P123fs.
Identifiers: ClinVar variation 866284 (VCV000866284.7), dbSNP rs760829254, ClinGen allele CA3772886.

ClinVar aggregate classification (germline): Pathogenic. Review status: criteria provided, multiple submitters, no conflicts (2 of 4 stars). 2 submissions from 2 submitters: Pathogenic (2). Last evaluated 2025-06-29.

Conditions:
TULP1-related disorder. Also called: TULP1-related condition; TULP1-related disorders.

Allele frequency attached by ClinVar (database versions not stated): gnomAD exomes below 0.00001; ExAC 0.00001.

Submissions (2):

Labcorp Genetics (formerly Invitae), Labcorp
Classification: Pathogenic. Last evaluated: 2025-06-29. Review status: criteria provided, single submitter. Criteria: Invitae Variant Classification Sherloc (09022015). Collection method: clinical testing. Allele origin: germline.
Comment: This sequence change creates a premature translational stop signal (p.Pro176Thrfs*7) in the TULP1 gene. It is expected to result in an absent or disrupted protein product. Loss-of-function variants in TULP1 are known to be pathogenic (PMID: 8606774, 10549638, 15024725, 18055821). This variant is present in population databases (rs760829254, gnomAD 0.007%). This variant has not been reported in the literature in individuals affected with TULP1-related conditions. ClinVar contains an entry for this variant (Variation ID: 866284). For these reasons, this variant has been classified as Pathogenic.

Blueprint Genetics
Classification: Pathogenic for TULP1-related disorders. Last evaluated: 2020-06-19. Review status: criteria provided, single submitter. Criteria: ACMG Guidelines, 2015. Collection method: clinical testing. Allele origin: germline. Affected: yes. Observed: 2 variant alleles.

Literature cited by the submitters: PubMed 8606774 (cited by Labcorp Genetics (formerly Invitae), Labcorp); PubMed 10549638 (cited by Labcorp Genetics (formerly Invitae), Labcorp); PubMed 15024725 (cited by Labcorp Genetics (formerly Invitae), Labcorp); PubMed 18055821 (cited by Labcorp Genetics (formerly Invitae), Labcorp).